The following is an entry in ClinVar:

ClinVar aggregate classification (germline): Uncertain significance. Review status: criteria provided, multiple submitters, no conflicts (2 of 4 stars). 3 submissions from 3 submitters: Uncertain significance (3). Last evaluated 2024-11-24.

Conditions:
Hyperphosphatasemia with bone disease (PDB5). Also called: PAGET DISEASE OF BONE 5, JUVENILE-ONSET; HYPEROSTOSIS CORTICALIS DEFORMANS JUVENILIS; HYPERPHOSPHATASEMIA, CHRONIC CONGENITAL IDIOPATHIC; HYPERPHOSPHATASIA, FAMILIAL IDIOPATHIC; Paget disease of bone 5; Osteoectasia familial. Identifiers: Orphanet 2801, MedGen C0268414, MONDO:0009394, OMIM 239000.

Allele frequency attached by ClinVar (database versions not stated): 1000 Genomes Project 30x 0.00031; 1000 Genomes Project 0.00040.

Submissions (3):

Labcorp Genetics (formerly Invitae), Labcorp
Classification: Uncertain significance. Last evaluated: 2024-11-24. Review status: criteria provided, single submitter. Criteria: Invitae Variant Classification Sherloc (09022015). Collection method: clinical testing. Allele origin: germline.
Comment: This sequence change replaces glutamic acid, which is acidic and polar, with lysine, which is basic and polar, at codon 33 of the TNFRSF11B protein (p.Glu33Lys). This variant is present in population databases (rs202090603, gnomAD 0.01%). This variant has not been reported in the literature in individuals affected with TNFRSF11B-related conditions. ClinVar contains an entry for this variant (Variation ID: 1420847). Invitae Evidence Modeling of protein sequence and biophysical properties (such as structural, functional, and spatial information, amino acid conservation, physicochemical variation, residue mobility, and thermodynamic stability) indicates that this missense variant is not expected to disrupt TNFRSF11B protein function with a negative predictive value of 80%. In summary, the available evidence is currently insufficient to determine the role of this variant in disease. Therefore, it has been classified as a Variant of Uncertain Significance.

Baylor Genetics
Classification: Uncertain significance for Hyperphosphatasemia with bone disease. Last evaluated: 2023-06-15. Review status: criteria provided, single submitter. Criteria: ACMG Guidelines, 2015. Collection method: clinical testing. Allele origin: unknown.

Breakthrough Genomics
Classification: Uncertain significance. Review status: criteria provided, single submitter. Criteria: ACMG Guidelines, 2015. Collection method: not provided. Allele origin: germline. Inheritance: Autosomal recessive inheritance. Affected: yes.

NM_002546.4(TNFRSF11B):c.97G>A (p.Glu33Lys)

Gene: TNFRSF11B (TNF receptor superfamily member 11b; minus strand). Cytogenetic location: 8q24.12.
Variant type: single nucleotide variant.
Coding change: c.97G>A on transcript NM_002546.4 (MANE Select); coding-DNA position 97, G replaced by A.
Protein change: p.Glu33Lys; replaces glutamic acid 33 with lysine.
Molecular consequence: missense variant.
Genome position (GRCh38, 1-based): chr8:118,933,234, C>T on the plus strand (G>A on the coding strand, the complement: TNFRSF11B is on the minus strand). VCF-style: chr8-118933234-C-T. GRCh37 (hg19) VCF-style: chr8-119945473-C-T.
Other names: short protein forms E33K.
Identifiers: ClinVar variation 1420847 (VCV001420847.9), dbSNP rs202090603, ClinGen allele CA4854983.